The following is an entry in ClinVar:

NM_013251.4(TAC3):c.10A>C (p.Met4Leu)

Gene: TAC3 (tachykinin precursor 3; minus strand). Cytogenetic location: 12q13.3.
Variant type: single nucleotide variant.
Coding change: c.10A>C on transcript NM_013251.4 (MANE Select); coding-DNA position 10, A replaced by C.
Protein change: p.Met4Leu; replaces methionine 4 with leucine.
Molecular consequence: missense variant. On other transcripts: non-coding transcript variant (4).
Genome position (GRCh38, 1-based): chr12:57,015,788, T>G on the plus strand (A>C on the coding strand, the complement: TAC3 is on the minus strand). VCF-style: chr12-57015788-T-G. GRCh37 (hg19) VCF-style: chr12-57409572-T-G.
Other names: c.10A>C, p.Met4Leu (NM_001178054.2); short protein forms M4L.
Identifiers: ClinVar variation 1917133 (VCV001917133.5), dbSNP rs763814772, ClinGen allele CA237731864.

ClinVar aggregate classification (germline): Uncertain significance (1 of 4 stars; one submission).

Submission:

Labcorp Genetics (formerly Invitae), Labcorp
Classification: Uncertain significance. Last evaluated: 2022-07-06. Review status: criteria provided, single submitter. Criteria: Invitae Variant Classification Sherloc (09022015). Collection method: clinical testing. Allele origin: germline.
Comment: In summary, the available evidence is currently insufficient to determine the role of this variant in disease. Therefore, it has been classified as a Variant of Uncertain Significance. Algorithms developed to predict the effect of missense changes on protein structure and function (SIFT, PolyPhen-2, Align-GVGD) all suggest that this variant is likely to be tolerated. This variant has not been reported in the literature in individuals affected with TAC3-related conditions. This variant is not present in population databases (gnomAD no frequency). This sequence change replaces methionine, which is neutral and non-polar, with leucine, which is neutral and non-polar, at codon 4 of the TAC3 protein (p.Met4Leu).